The following is an entry in ClinVar:

NM_001085487.3(MYSM1):c.2329-11_2329-7del

Gene: MYSM1 (Myb like, SWIRM and MPN domains 1; minus strand). Cytogenetic location: 1p32.1.
Variant type: Microsatellite.
Coding change: c.2329-11_2329-7del on transcript NM_001085487.3 (MANE Select); 11 bases into the intron before coding-DNA position 2329 through 7 bases into the intron before coding-DNA position 2329, 5 bases deleted (TTTTC; older notation c.2329-11_2329-7delTTTTC).
Molecular consequence: intron variant.
Genome position (GRCh38, 1-based): chr1:58,660,162-58,660,166, GAAAA deleted on the plus strand (TTTTC on the coding strand, the reverse complement: MYSM1 is on the minus strand); deleting any 5 consecutive bases within chr1:58,660,162-58,660,172 gives the same sequence; the c. name uses the placement nearest the transcript's 3' end. VCF-style (leftmost placement, unchanged base first): chr1-58660161-TGAAAA-T. GRCh37 (hg19) VCF-style: chr1-59125833-TGAAAA-T.
Identifiers: ClinVar variation 1507594 (VCV001507594.5), dbSNP rs1644370284, ClinGen allele CA1169496294.

ClinVar aggregate classification (germline): Uncertain significance (1 of 4 stars; one submission).

Submission:

Labcorp Genetics (formerly Invitae), Labcorp
Classification: Uncertain significance. Last evaluated: 2021-08-28. Review status: criteria provided, single submitter. Criteria: Invitae Variant Classification Sherloc (09022015). Collection method: clinical testing. Allele origin: germline.
Comment: This sequence change falls in intron 19 of the MYSM1 gene. It does not directly change the encoded amino acid sequence of the MYSM1 protein. This variant is not present in population databases (ExAC no frequency). This variant has not been reported in the literature in individuals affected with MYSM1-related conditions. Algorithms developed to predict the effect of sequence changes on RNA splicing suggest that this variant may disrupt the consensus splice site. In summary, the available evidence is currently insufficient to determine the role of this variant in disease. Therefore, it has been classified as a Variant of Uncertain Significance.